The following is an entry in ClinVar:

ClinVar aggregate classification (germline): Pathogenic/Likely pathogenic. Review status: criteria provided, multiple submitters, no conflicts (2 of 4 stars). 2 submissions from 2 submitters: Pathogenic (1); Likely pathogenic (1). Last evaluated 2026-01-30.

Submissions (2):

Dasa
Classification: Likely pathogenic. Last evaluated: 2026-01-30. Review status: criteria provided, single submitter. Criteria: DASA Assertion Criteria. Collection method: clinical testing. Allele origin: germline.
Comment: NM_000369.5(TSHR):c.888del (p.Glu297Serfs*3) is a frameshift variant in TSHR predicted to alter the reading frame and introduce a premature termination codon and is predicted to result in an absent or altered protein product. Loss of function is an established disease mechanism for TSHR-associated disorders. Also, this variant is rare in population databases. Based on the currently available evidence, this variant is classified as likely pathogenic.

Labcorp Genetics (formerly Invitae), Labcorp
Classification: Pathogenic. Last evaluated: 2023-06-07. Review status: criteria provided, single submitter. Criteria: Invitae Variant Classification Sherloc (09022015). Collection method: clinical testing. Allele origin: germline.
Comment: This variant is not present in population databases (gnomAD no frequency). This sequence change creates a premature translational stop signal (p.Glu297Serfs*3) in the TSHR gene. While this is not anticipated to result in nonsense mediated decay, it is expected to disrupt the last 468 amino acid(s) of the TSHR protein. This variant has not been reported in the literature in individuals affected with TSHR-related conditions. For these reasons, this variant has been classified as Pathogenic. This variant disrupts a region of the TSHR protein in which other variant(s) (p.Thr655Cysfs*2) have been determined to be pathogenic (PMID: 9589691, 12050212, 22049173). This suggests that this is a clinically significant region of the protein, and that variants that disrupt it are likely to be disease-causing.

Literature cited by the submitters: PubMed 9589691 (cited by Labcorp Genetics (formerly Invitae), Labcorp); PubMed 12050212 (cited by Labcorp Genetics (formerly Invitae), Labcorp); PubMed 22049173 (cited by Labcorp Genetics (formerly Invitae), Labcorp).

NM_000369.5(TSHR):c.888del (p.Glu297fs)

Genes: TSHR (thyroid stimulating hormone receptor; plus strand), TSHR-AS1 (TSHR antisense RNA 1; minus strand). Cytogenetic location: 14q31.1.
Variant type: Deletion.
Coding change: c.888del on transcript NM_000369.5 (MANE Select); coding-DNA position 888, one base deleted (T; older notation c.888delT).
Protein change: p.Glu297fs; shifts the reading frame from glutamic acid 297.
Molecular consequence: frameshift variant.
Genome position (GRCh38, 1-based): chr14:81,142,946, T deleted; the last of 2 consecutive T bases (chr14:81,142,945-81,142,946); deleting either gives the same sequence. VCF-style (leftmost placement, unchanged base first): chr14-81142944-CT-C. GRCh37 (hg19) VCF-style: chr14-81609288-CT-C.
Other names: short protein forms E297fs.
Identifiers: ClinVar variation 3012862 (VCV003012862.5), dbSNP rs2503934675, ClinGen allele CA2740097179.
Genomic context (GRCh38, chr14:81,142,944, plus strand): 5'-ACAGTCATGAGCCACTGCGCCCAGCCTGGCACTGACTCTTTTCTGTTGCCTTGCAGAATC[CT>C]TGAGTCCTTGATGTGTAATGAGAGCAGTATGCAGAGCTTGCGCCAGAGAAAATCTGTGAA-3'